The following is an entry in ClinVar:

ClinVar aggregate classification (germline): Uncertain significance. Review status: criteria provided, multiple submitters, no conflicts (2 of 4 stars). 3 submissions from 3 submitters: Uncertain significance (3). Last evaluated 2026-08-08.

Conditions:
Cardiovascular phenotype. Identifiers: MedGen CN230736.
Dilated cardiomyopathy 1CC (CMD1CC). Identifiers: Orphanet 154, MedGen C2751084, MONDO:0013147, OMIM 613122.
Hypertrophic cardiomyopathy 20. Identifiers: MedGen C3151267, MONDO:0013477, OMIM 613876.

Allele frequency attached by ClinVar (database versions not stated): gnomAD exomes below 0.00001; ExAC 0.00001.
gnomAD v4.1: 5 of 1,612,554 alleles (0.00031%); highest among the groups gnomAD compares: Non-Finnish European, 0.00042%; no homozygotes.

Submissions (3):

Ambry Genetics
Classification: Uncertain significance for Cardiovascular phenotype. Last evaluated: 2026-08-08. Review status: criteria provided, single submitter. Criteria: Ambry Variant Classification Scheme 2023. Collection method: clinical testing. Allele origin: germline.
Comment: The p.P19S variant (also known as c.55C>T), located in coding exon 2 of the NEXN gene, results from a C to T substitution at nucleotide position 55. The proline at codon 19 is replaced by serine, an amino acid with similar properties. This amino acid position is conserved. In addition, this alteration is predicted to be tolerated by in silico analysis. Based on the available evidence, the clinical significance of this variant remains unclear.

GeneDx
Classification: Uncertain significance. Last evaluated: 2023-10-04. Review status: criteria provided, single submitter. Criteria: GeneDx Variant Classification Process June 2021. Collection method: clinical testing. Allele origin: germline. Affected: yes.
Comment: Not observed at significant frequency in large population cohorts (gnomAD); In silico analysis supports that this missense variant does not alter protein structure/function; Has not been previously published as pathogenic or benign to our knowledge

Labcorp Genetics (formerly Invitae), Labcorp
Classification: Uncertain significance for Dilated cardiomyopathy 1CC; Hypertrophic cardiomyopathy 20. Last evaluated: 2021-08-04. Review status: criteria provided, single submitter. Criteria: Invitae Variant Classification Sherloc (09022015). Collection method: clinical testing. Allele origin: germline.
Comment: In summary, the available evidence is currently insufficient to determine the role of this variant in disease. Therefore, it has been classified as a Variant of Uncertain Significance. Algorithms developed to predict the effect of missense changes on protein structure and function output the following: SIFT: "Tolerated"; PolyPhen-2: "Benign"; Align-GVGD: "Class C0". The serine amino acid residue is found in multiple mammalian species, suggesting that this missense change does not adversely affect protein function. These predictions have not been confirmed by published functional studies and their clinical significance is uncertain. This variant has not been reported in the literature in individuals with NEXN-related conditions. This variant is present in population databases (rs199981645, ExAC 0.002%). This sequence change replaces proline with serine at codon 19 of the NEXN protein (p.Pro19Ser). The proline residue is weakly conserved and there is a moderate physicochemical difference between proline and serine.

NM_144573.4(NEXN):c.55C>T (p.Pro19Ser)

Gene: NEXN (nexilin F-actin binding protein; plus strand). Cytogenetic location: 1p31.1.
Variant type: single nucleotide variant.
Coding change: c.55C>T on transcript NM_144573.4 (MANE Select); coding-DNA position 55, C replaced by T.
Protein change: p.Pro19Ser; replaces proline 19 with serine.
Molecular consequence: missense variant. On other transcripts: intron variant (1).
Genome position (GRCh38, 1-based): chr1:77,917,593, C>T. VCF-style: chr1-77917593-C-T. GRCh37 (hg19) VCF-style: chr1-78383278-C-T.
Other names: c.28-367C>T (NM_001172309.2); short protein forms P19S.
Identifiers: ClinVar variation 835184 (VCV000835184.12), dbSNP rs199981645, ClinGen allele CA918557.